The following is an entry in ClinVar:

NM_000393.5(COL5A2):c.712C>T (p.Pro238Ser)

Gene: COL5A2 (collagen type V alpha 2 chain; minus strand). Cytogenetic location: 2q32.2.
Variant type: single nucleotide variant.
Coding change: c.712C>T on transcript NM_000393.5 (MANE Select); coding-DNA position 712, C replaced by T.
Protein change: p.Pro238Ser; replaces proline 238 with serine.
Molecular consequence: missense variant.
Genome position (GRCh38, 1-based): chr2:189,085,751, G>A on the plus strand (C>T on the coding strand, the complement: COL5A2 is on the minus strand). VCF-style: chr2-189085751-G-A. GRCh37 (hg19) VCF-style: chr2-189950477-G-A.
Other names: p.P238S:CCT>TCT; short protein forms P238S.
Identifiers: ClinVar variation 213143 (VCV000213143.12), dbSNP rs763287143, ClinGen allele CA323209.

ClinVar aggregate classification (germline): Conflicting classifications of pathogenicity. Review status: criteria provided, conflicting classifications (1 of 4 stars). 3 submissions from 3 submitters: Uncertain significance (2); Likely benign (1). Last evaluated 2026-09-13.

Conditions:
Ehlers-Danlos syndrome, classic type, 1 (EDSCL1). Also called: EDS I; Ehlers-Danlos Syndrome, Classic Type, COL5A1-Related; EHLERS-DANLOS SYNDROME, GRAVIS TYPE; EHLERS-DANLOS SYNDROME, SEVERE CLASSIC TYPE; Ehlers-Danlos syndrome, type 1. Identifiers: MedGen C0268335, MONDO:0019567, OMIM 130000.
Familial thoracic aortic aneurysm and aortic dissection (TAAD). Also called: Thoracic aortic aneurysms and dissections. Identifiers: Orphanet 91387, MedGen C4707243, MONDO:0019625.

Allele frequency attached by ClinVar (database versions not stated): ExAC 0.00001; TOPMed 0.00002; gnomAD 0.00001; gnomAD exomes 0.00001.
gnomAD v4.1: 11 of 1,613,284 alleles (0.00068%); highest among the groups gnomAD compares: East Asian, 0.011%; no homozygotes.

Submissions (3):

Ambry Genetics
Classification: Uncertain significance for Familial thoracic aortic aneurysm and aortic dissection. Last evaluated: 2026-09-13. Review status: criteria provided, single submitter. Criteria: Ambry Variant Classification Scheme 2023. Collection method: clinical testing. Allele origin: germline.
Comment: The p.P238S variant (also known as c.712C>T), located in coding exon 10 of the COL5A2 gene, results from a C to T substitution at nucleotide position 712. The proline at codon 238 is replaced by serine, an amino acid with similar properties. This amino acid position is conserved. In addition, the in silico prediction for this alteration is inconclusive. Based on the available evidence, the clinical significance of this variant remains unclear.

Labcorp Genetics (formerly Invitae), Labcorp
Classification: Likely benign for Ehlers-Danlos syndrome, classic type, 1. Last evaluated: 2025-07-20. Review status: criteria provided, single submitter. Criteria: Invitae Variant Classification Sherloc (09022015). Collection method: clinical testing. Allele origin: germline.

GeneDx
Classification: Uncertain significance. Last evaluated: 2025-04-02. Review status: criteria provided, single submitter. Criteria: GeneDx Variant Classification Process June 2021. Collection method: clinical testing. Allele origin: germline. Affected: yes.
Comment: Has not been previously published as pathogenic or benign to our knowledge; Not observed at significant frequency in large population cohorts (gnomAD); In silico analysis supports that this missense variant has a deleterious effect on protein structure/function